The following is an entry in ClinVar:

ClinVar aggregate classification (germline): Uncertain significance (1 of 4 stars; one submission).

Conditions:
NCKAP1-related disorder. Also called: NCKAP1-related condition.

Submission:

3billion
Classification: Uncertain significance for NCKAP1-related disorder. Last evaluated: 2025-06-29. Review status: criteria provided, single submitter. Criteria: ACMG Guidelines, 2015. Collection method: clinical testing. Allele origin: germline. Affected: yes.
Comment: The variant is not observed in the gnomAD v4.1.0 dataset. Predicted Consequence/Location: Frameshift: predicted to result in a loss or disruption of normal protein function through nonsense-mediated decay (NMD) or protein truncation. Multiple pathogenic variants are reported downstream of the variant. Therefore, this variant is classified as VUS according to the recommendation of ACMG/AMP guideline.

NM_013436.5(NCKAP1):c.382del (p.Asp128fs)

Gene: NCKAP1 (NCK associated protein 1; minus strand). Cytogenetic location: 2q32.1.
Variant type: Deletion.
Coding change: c.382del on transcript NM_013436.5 (MANE Select); coding-DNA position 382, one base deleted (G; older notation c.382delG).
Protein change: p.Asp128fs; shifts the reading frame from aspartic acid 128.
Molecular consequence: frameshift variant.
Genome position (GRCh38, 1-based): chr2:183,002,257, C deleted on the plus strand (G on the coding strand, the reverse complement: NCKAP1 is on the minus strand). VCF-style (leftmost placement, unchanged base first): chr2-183002256-TC-T. GRCh37 (hg19) VCF-style: chr2-183866984-TC-T.
Other names: c.376del, p.Asp126fs (NM_001437266.1); c.394del, p.Asp132fs (NM_001437267.1); c.400del, p.Asp134fs (NM_205842.3); short protein forms D126fs, D128fs, D132fs, D134fs.
Identifiers: ClinVar variation 4855800 (VCV004855800.1).
Genomic context (GRCh38, chr2:183,002,256, plus strand): 5'-GACAGCAGTATCATTAGTGTTGTATAGGTTATAATTAAATCTAAGTAGTTCTTTGTTAAA[TC>T]AAAGTTTACAGTCTAGGAGAAAAAAAAATCAAGTTCAACTACTTCCTATTTCTTAAAATT-3'